The following is an entry in ClinVar:

NM_005502.4(ABCA1):c.3400G>A (p.Asp1134Asn)

Gene: ABCA1 (ATP binding cassette subfamily A member 1; minus strand). Cytogenetic location: 9q31.1.
Variant type: single nucleotide variant.
Coding change: c.3400G>A on transcript NM_005502.4 (MANE Select); coding-DNA position 3400, G replaced by A.
Protein change: p.Asp1134Asn; replaces aspartic acid 1134 with asparagine.
Molecular consequence: missense variant.
Genome position (GRCh38, 1-based): chr9:104,818,725, C>T on the plus strand (G>A on the coding strand, the complement: ABCA1 is on the minus strand). VCF-style: chr9-104818725-C-T. GRCh37 (hg19) VCF-style: chr9-107581006-C-T.
Other names: short protein forms D1134N.
Identifiers: ClinVar variation 3936508 (VCV003936508.1).

ClinVar aggregate classification (germline): Uncertain significance (1 of 4 stars; one submission).

Conditions:
Cardiovascular phenotype. Identifiers: MedGen CN230736.

gnomAD v4.1: 1 of 1,613,756 alleles (0.000062%); highest among the groups gnomAD compares: Non-Finnish European, 0.000085%; no homozygotes.

Submission:

Ambry Genetics
Classification: Uncertain significance for Cardiovascular phenotype. Last evaluated: 2025-06-01. Review status: criteria provided, single submitter. Criteria: Ambry Variant Classification Scheme 2023. Collection method: clinical testing. Allele origin: germline.
Comment: The p.D1134N variant (also known as c.3400G>A), located in coding exon 22 of the ABCA1 gene, results from a G to A substitution at nucleotide position 3400. The aspartic acid at codon 1134 is replaced by asparagine, an amino acid with highly similar properties. This amino acid position is conserved. In addition, this alteration is predicted to be tolerated by in silico analysis. Based on the available evidence, the clinical significance of this variant remains unclear.